The following is an entry in ClinVar:

NM_000232.5(SGCB):c.34-3T>G

Gene: SGCB (sarcoglycan beta; minus strand). Cytogenetic location: 4q12.
Variant type: single nucleotide variant.
Coding change: c.34-3T>G on transcript NM_000232.5 (MANE Select); 3 bases into the intron before coding-DNA position 34, T replaced by G.
Molecular consequence: intron variant.
Genome position (GRCh38, 1-based): chr4:52,033,643, A>C on the plus strand (T>G on the coding strand, the complement: SGCB is on the minus strand). VCF-style: chr4-52033643-A-C. GRCh37 (hg19) VCF-style: chr4-52899809-A-C.
Identifiers: ClinVar variation 195048 (VCV000195048.10), dbSNP rs794727241, ClinGen allele CA241316.
Genomic context (GRCh38, chr4:52,033,643, plus strand): 5'-TCCTTCTCTCAACAGCCTTCTCACGCATGGACTTCTTTACAGGACCATTGGAACTTTGCT[A>C]AAAATGAAATACAACATAATGGAACAGCTATACCCTCTCGTTTTGGTGCATTTATCTATT-3'

ClinVar aggregate classification (germline): Uncertain significance. Review status: criteria provided, multiple submitters, no conflicts (2 of 4 stars). 2 submissions from 2 submitters: Uncertain significance (2). Last evaluated 2024-03-04.

Conditions:
Autosomal recessive limb-girdle muscular dystrophy type 2E (LGMDR4). Also called: MUSCULAR DYSTROPHY, LIMB-GIRDLE, AUTOSOMAL RECESSIVE 4. Identifiers: Orphanet 119, MedGen C1858593, MONDO:0011423, OMIM 604286. Disease mechanism: Affects gamma-sarcoglycan and also disrupts the integrity of the entire sarcoglycan complex..

Submissions (2):

Labcorp Genetics (formerly Invitae), Labcorp
Classification: Uncertain significance for Autosomal recessive limb-girdle muscular dystrophy type 2E. Last evaluated: 2024-03-04. Review status: criteria provided, single submitter. Criteria: Invitae Variant Classification Sherloc (09022015). Collection method: clinical testing. Allele origin: germline.
Comment: This sequence change falls in intron 1 of the SGCB gene. It does not directly change the encoded amino acid sequence of the SGCB protein. It affects a nucleotide within the consensus splice site. This variant is not present in population databases (gnomAD no frequency). This variant has not been reported in the literature in individuals affected with SGCB-related conditions. ClinVar contains an entry for this variant (Variation ID: 195048). Variants that disrupt the consensus splice site are a relatively common cause of aberrant splicing (PMID: 17576681, 9536098). Algorithms developed to predict the effect of sequence changes on RNA splicing suggest that this variant may disrupt the consensus splice site. In summary, the available evidence is currently insufficient to determine the role of this variant in disease. Therefore, it has been classified as a Variant of Uncertain Significance.

Eurofins Ntd Llc (ga)
Classification: Uncertain significance. Last evaluated: 2015-01-15. Review status: criteria provided, single submitter. Criteria: EGL Classification Definitions 2015. Collection method: clinical testing. Allele origin: germline. Observed: 1 variant allele, 1 homozygote.

Literature cited by the submitters: PubMed 17576681 (cited by Labcorp Genetics (formerly Invitae), Labcorp); PubMed 9536098 (cited by Labcorp Genetics (formerly Invitae), Labcorp).